The following is an entry in ClinVar:

ClinVar aggregate classification (germline): Uncertain significance (1 of 4 stars; one submission).

Conditions:
Tuberous sclerosis 1 (TSC1). Identifiers: Orphanet 805, MedGen C1854465, MONDO:0008612, OMIM 191100.

Submission:

Labcorp Genetics (formerly Invitae), Labcorp
Classification: Uncertain significance for Tuberous sclerosis 1. Last evaluated: 2023-05-23. Review status: criteria provided, single submitter. Criteria: Invitae Variant Classification Sherloc (09022015). Collection method: clinical testing. Allele origin: germline.
Comment: In summary, the available evidence is currently insufficient to determine the role of this variant in disease. Therefore, it has been classified as a Variant of Uncertain Significance. Advanced modeling of protein sequence and biophysical properties (such as structural, functional, and spatial information, amino acid conservation, physicochemical variation, residue mobility, and thermodynamic stability) performed at Invitae indicates that this missense variant is not expected to disrupt TSC1 protein function. This variant has not been reported in the literature in individuals affected with TSC1-related conditions. This variant is not present in population databases (gnomAD no frequency). This sequence change replaces histidine, which is basic and polar, with tyrosine, which is neutral and polar, at codon 921 of the TSC1 protein (p.His921Tyr).

NM_000368.5(TSC1):c.2761C>T (p.His921Tyr)

Gene: TSC1 (TSC complex subunit 1; minus strand). Cytogenetic location: 9q34.13.
Variant type: single nucleotide variant.
Coding change: c.2761C>T on transcript NM_000368.5 (MANE Select); coding-DNA position 2761, C replaced by T.
Protein change: p.His921Tyr; replaces histidine 921 with tyrosine.
Molecular consequence: missense variant. On other transcripts: non-coding transcript variant (5).
Genome position (GRCh38, 1-based): chr9:132,897,475, G>A on the plus strand (C>T on the coding strand, the complement: TSC1 is on the minus strand). VCF-style: chr9-132897475-G-A. GRCh37 (hg19) VCF-style: chr9-135772862-G-A.
Other names: c.2719C>T, p.His907Tyr (NM_001406605.1, NM_001406606.1, NM_001406607.1); c.2716C>T, p.His906Tyr (NM_001406608.1, NM_001406609.1); c.2608C>T, p.His870Tyr (NM_001406610.1, NM_001162427.2); c.2605C>T, p.His869Tyr (NM_001406611.1, NM_001406612.1); c.2563C>T, p.His855Tyr (NM_001406613.1); c.2398C>T, p.His800Tyr (NM_001406614.1, NM_001362177.2, NM_001406615.1 and 4 more transcripts); c.2356C>T, p.His786Tyr (NM_001406624.1); c.2353C>T, p.His785Tyr (NM_001406625.1); and 8 more; short protein forms H570Y, H869Y, H870Y, H800Y, H906Y, H603Y, H786Y, H907Y.
Identifiers: ClinVar variation 2742694 (VCV002742694.3), dbSNP rs1588290485, ClinGen allele CA375369196.